The following is an entry in ClinVar:

ClinVar aggregate classification (germline): Uncertain significance (1 of 4 stars; one submission).

Conditions:
Interstitial lung disease 2 (ILD2). Also called: Familial idiopathic pulmonary fibrosis; FIBROCYSTIC PULMONARY DYSPLASIA; FIBROSING ALVEOLITIS, CRYPTOGENIC. Identifiers: Orphanet 2032, Orphanet 79126, MedGen C5561926, MONDO:0800497, OMIM 178500, MONDO:0800029.

Allele frequency attached by ClinVar (database versions not stated): ExAC 0.00003.

Submission:

Baylor Genetics
Classification: Uncertain significance for Interstitial lung disease 2. Last evaluated: 2020-03-20. Review status: criteria provided, single submitter. Criteria: ACMG Guidelines, 2015. Collection method: clinical testing. Allele origin: unknown. Affected: yes.
Comment: This variant was determined to be of uncertain significance according to ACMG Guidelines, 2015 [PMID:25741868].

NM_002458.3(MUC5B):c.9385C>T (p.Pro3129Ser)

Genes: MUC5B (mucin 5B, oligomeric mucus/gel-forming; plus strand), MUC5B-AS1 (MUC5B antisense RNA 1; minus strand). Cytogenetic location: 11p15.5.
Variant type: single nucleotide variant.
Coding change: c.9385C>T on transcript NM_002458.3 (MANE Select); coding-DNA position 9385, C replaced by T.
Protein change: p.Pro3129Ser; replaces proline 3129 with serine.
Molecular consequence: missense variant.
Genome position (GRCh38, 1-based): chr11:1,246,265, C>T. VCF-style: chr11-1246265-C-T. GRCh37 (hg19) VCF-style: chr11-1267495-C-T.
Other names: short protein forms P3129S.
Identifiers: ClinVar variation 1030558 (VCV001030558.1), dbSNP rs756422827, ClinGen allele CA5806974.